The following is an entry in ClinVar:

NM_000038.6(APC):c.6397G>C (p.Asp2133His)

Gene: APC (APC regulator of Wnt signaling pathway; plus strand). Cytogenetic location: 5q22.2.
Variant type: single nucleotide variant.
Coding change: c.6397G>C on transcript NM_000038.6 (MANE Select); coding-DNA position 6397, G replaced by C.
Protein change: p.Asp2133His; replaces aspartic acid 2133 with histidine.
Molecular consequence: missense variant. On other transcripts: non-coding transcript variant (2).
Genome position (GRCh38, 1-based): chr5:112,841,991, G>C. VCF-style: chr5-112841991-G-C. GRCh37 (hg19) VCF-style: chr5-112177688-G-C.
Other names: c.6397G>C, p.Asp2133His (NM_001127510.3, NM_001354895.2, NM_001407450.1); c.6343G>C, p.Asp2115His (NM_001127511.3); c.6451G>C, p.Asp2151His (NM_001354896.2, NM_001407447.1, NM_001407448.1 and 1 more transcripts); c.6427G>C, p.Asp2143His (NM_001354897.2); c.6322G>C, p.Asp2108His (NM_001354898.2); c.6313G>C, p.Asp2105His (NM_001354899.2); c.6274G>C, p.Asp2092His (NM_001354900.2); c.6220G>C, p.Asp2074His (NM_001354901.2, NM_001407453.1); and 11 more; short protein forms D1749H, D1850H, D1973H, D2004H, D2007H, D2032H, D2042H, D2050H.
Identifiers: ClinVar variation 4801506 (VCV004801506.1).

ClinVar aggregate classification (germline): Uncertain significance (1 of 4 stars; one submission).

Conditions:
Familial adenomatous polyposis 1 (FAP1). Also called: FAMILIAL ADENOMATOUS POLYPOSIS 1, ATTENUATED; POLYPOSIS, ADENOMATOUS INTESTINAL. Identifiers: MedGen C2713442, MONDO:0021056, OMIM 175100. Disease mechanism: loss of function.

gnomAD v4.1: 1 of 1,613,262 alleles (0.000062%); highest among the groups gnomAD compares: Non-Finnish European, 0.000085%; no homozygotes.

Submission:

Labcorp Genetics (formerly Invitae), Labcorp
Classification: Uncertain significance for Familial adenomatous polyposis 1. Last evaluated: 2025-07-14. Review status: criteria provided, single submitter. Criteria: Invitae Variant Classification Sherloc (09022015). Collection method: clinical testing. Allele origin: germline.
Comment: This sequence change replaces aspartic acid, which is acidic and polar, with histidine, which is basic and polar, at codon 2133 of the APC protein (p.Asp2133His). This variant is not present in population databases (gnomAD no frequency). This variant has not been reported in the literature in individuals affected with APC-related conditions. Invitae Evidence Modeling of protein sequence and biophysical properties (such as structural, functional, and spatial information, amino acid conservation, physicochemical variation, residue mobility, and thermodynamic stability) indicates that this missense variant is not expected to disrupt APC protein function with a negative predictive value of 95%. In summary, the available evidence is currently insufficient to determine the role of this variant in disease. Therefore, it has been classified as a Variant of Uncertain Significance.